The following is an entry in ClinVar:

ClinVar aggregate classification (germline): Likely pathogenic (1 of 4 stars; one submission).

Conditions:
Hereditary spastic paraplegia 73. Also called: Spastic paraplegia 73, autosomal dominant. Identifiers: Orphanet 444099, MedGen C5568981, MONDO:0014568, OMIM 616282.

Allele frequency attached by ClinVar (database versions not stated): ExAC 0.00001.

Submission:

Institute of Human Genetics, University of Goettingen
Classification: Likely pathogenic for Hereditary spastic paraplegia 73. Last evaluated: 2020-08-18. Review status: criteria provided, single submitter. Criteria: ACMG Guidelines, 2015. Collection method: clinical testing. Allele origin: unknown. Inheritance: Autosomal dominant inheritance. Affected: yes. Observed: 1 heterozygote.
Comment: The CPT1C variant c.2T>G is not found in the gnomAD database and affects the start codon of the CPT1C gene, which may lead to a complete loss of function of the CPT1C protein. Thus, we consider this variant to be likely pathogenic. ACMG criteria used for classification: PVS1, PM2.

NM_001199753.2(CPT1C):c.2T>G (p.Met1Arg)

Gene: CPT1C (carnitine palmitoyltransferase 1C; plus strand). Cytogenetic location: 19q13.33.
Variant type: single nucleotide variant.
Coding change: c.2T>G on transcript NM_001199753.2 (MANE Select); coding-DNA position 2, T replaced by G.
Protein change: p.Met1Arg; changes the start codon (methionine 1).
Molecular consequence: missense variant, initiator codon variant. On other transcripts: non-coding transcript variant (1).
Genome position (GRCh38, 1-based): chr19:49,692,254, T>G. VCF-style: chr19-49692254-T-G. GRCh37 (hg19) VCF-style: chr19-50195511-T-G.
Other names: c.2T>G, p.Met1Arg (NM_001136052.3, NM_001199752.3, NM_001378482.1 and 7 more transcripts); short protein forms M1R.
Identifiers: ClinVar variation 978230 (VCV000978230.4), dbSNP rs751933977, ClinGen allele CA9581656.